The following is an entry in ClinVar:

ClinVar aggregate classification (germline): Uncertain significance (1 of 4 stars; one submission).

Conditions:
Cardiomyopathy (CMYO). Also called: Cardiomyopathies. Identifiers: Orphanet 167848, MedGen C0878544, MONDO:0004994, HP:0001638. Inheritance: Various modes of inheritance.

Allele frequency attached by ClinVar (database versions not stated): gnomAD exomes below 0.00001; TOPMed 0.00001.
gnomAD v4.1: 2 of 1,613,402 alleles (0.00012%); highest among the groups gnomAD compares: Non-Finnish European, 0.00017%; no homozygotes.

Submission:

Color Diagnostics, LLC DBA Color Health
Classification: Uncertain significance for Cardiomyopathy. Last evaluated: 2024-03-06. Review status: criteria provided, single submitter. Criteria: ACMG Guidelines, 2015. Collection method: clinical testing. Allele origin: germline.
Comment: This missense variant replaces isoleucine with valine at codon 1521 of the RYR2 protein. Computational prediction suggests that this variant may not impact protein structure and function (internally defined REVEL score threshold <= 0.5, PMID: 27666373). To our knowledge, functional studies have not been reported for this variant. This variant has not been reported in individuals affected with cardiovascular disorders in the literature. This variant has not been identified in the general population by the Genome Aggregation Database (gnomAD). The available evidence is insufficient to determine the role of this variant in disease conclusively. Therefore, this variant is classified as a Variant of Uncertain Significance.

NM_001035.3(RYR2):c.4561A>G (p.Ile1521Val)

Gene: RYR2 (ryanodine receptor 2; plus strand). Cytogenetic location: 1q43.
Variant type: single nucleotide variant.
Coding change: c.4561A>G on transcript NM_001035.3 (MANE Select); coding-DNA position 4561, A replaced by G.
Protein change: p.Ile1521Val; replaces isoleucine 1521 with valine.
Molecular consequence: missense variant.
Genome position (GRCh38, 1-based): chr1:237,595,622, A>G. VCF-style: chr1-237595622-A-G. GRCh37 (hg19) VCF-style: chr1-237758922-A-G.
Other names: short protein forms I1521V.
Identifiers: ClinVar variation 1332643 (VCV001332643.3), dbSNP rs1484404966, ClinGen allele CA345400633.